The following is an entry in ClinVar:

ClinVar aggregate classification (germline): Conflicting classifications of pathogenicity. Review status: criteria provided, conflicting classifications (1 of 4 stars). 4 submissions from 4 submitters: Uncertain significance (1); Benign (3). Last evaluated 2025-02-04.

Conditions:
Anemia, nonspherocytic hemolytic, due to G6PD deficiency (CNSHA1). Also called: Hemolytic anemia due to G6PD deficiency; ANEMIA, CONGENITAL, NONSPHEROCYTIC HEMOLYTIC, 1; Class I glucose-6-phosphate dehydrogenase deficiency; Favism, susceptibility to. Identifiers: Orphanet 466026, MedGen C2720289, MONDO:0010480, OMIM 300908.

Submissions (4):

ARUP Laboratories, Molecular Genetics and Genomics, ARUP Laboratories
Classification: Benign. Last evaluated: 2025-02-04. Review status: criteria provided, single submitter. Criteria: ARUP Molecular Germline Variant Investigation Process 2024. Collection method: clinical testing. Allele origin: germline.

Labcorp Genetics (formerly Invitae), Labcorp
Classification: Benign for Anemia, nonspherocytic hemolytic, due to G6PD deficiency. Last evaluated: 2024-01-31. Review status: criteria provided, single submitter. Criteria: Invitae Variant Classification Sherloc (09022015). Collection method: clinical testing. Allele origin: germline.

Dunham Lab, University of Washington
Classification: Uncertain significance for Anemia, nonspherocytic hemolytic, due to G6PD deficiency. Last evaluated: 2022-08-12. Review status: criteria provided, single submitter. Criteria: Bayesian ACMG Guidelines, 2018. Collection method: curation. Allele origin: unknown. Affected: yes.
Comment: Variant found in unrelated hemizygotes with deficiency (PS4_M, PP4). Decreased activity in red blood cells (PS3). Reported as benign by multiple clinical testing groups (BP6). Post_P 0.89997 (odds of pathogenicity 80.97, Prior_P 0.1).

GeneDx
Classification: Benign. Last evaluated: 2018-07-14. Review status: criteria provided, single submitter. Criteria: GeneDx Variant Classification Process June 2021. Collection method: clinical testing. Allele origin: germline. Affected: yes.
Comment: This variant is associated with the following publications: (PMID: 30077011, 26829728)

Literature cited by the submitters: PubMed 30077011 (cited by Dunham Lab, University of Washington); PubMed 11484161 (cited by Dunham Lab, University of Washington); PubMed 17877203 (cited by Dunham Lab, University of Washington).

NM_001360016.2(G6PD):c.486-34del

Gene: G6PD (glucose-6-phosphate dehydrogenase; minus strand). Cytogenetic location: Xq28.
Variant type: Deletion.
Coding change: c.486-34del on transcript NM_001360016.2 (MANE Select); 34 bases into the intron before coding-DNA position 486, one base deleted (T; older notation c.486-34delT).
Molecular consequence: intron variant.
Genome position (GRCh38, 1-based): chrX:154,534,530, A deleted on the plus strand (T on the coding strand, the reverse complement: G6PD is on the minus strand); the first of 2 consecutive A bases (chrX:154,534,530-154,534,531); deleting either gives the same sequence. VCF-style (leftmost placement, unchanged base first): chrX-154534529-GA-G. GRCh37 (hg19) VCF-style: chrX-153762744-GA-G.
Other names: c.576-34del (NM_000402.4); c.486-34del (NM_001042351.3); c.576-34delT (NM_000402.4).
Identifiers: ClinVar variation 439744 (VCV000439744.20), dbSNP rs3216174, ClinGen allele CA10566231.